The following is an entry in ClinVar:

ClinVar aggregate classification (germline): Likely pathogenic (1 of 4 stars; one submission).

Submission:

Labcorp Genetics (formerly Invitae), Labcorp
Classification: Likely pathogenic. Last evaluated: 2022-12-12. Review status: criteria provided, single submitter. Criteria: Invitae Variant Classification Sherloc (09022015). Collection method: clinical testing. Allele origin: germline.
Comment: This sequence change affects a donor splice site in intron 28 of the MYO18B gene. It is expected to disrupt RNA splicing. Variants that disrupt the donor or acceptor splice site typically lead to a loss of protein function (PMID: 16199547), and loss-of-function variants in MYO18B are known to be pathogenic (PMID: 25748484, 32184166, 32637634). This variant is not present in population databases (gnomAD no frequency). This variant has not been reported in the literature in individuals affected with MYO18B-related conditions. Algorithms developed to predict the effect of sequence changes on RNA splicing suggest that this variant may disrupt the consensus splice site. In summary, the currently available evidence indicates that the variant is pathogenic, but additional data are needed to prove that conclusively. Therefore, this variant has been classified as Likely Pathogenic.

Literature cited by the submitters: PubMed 16199547; PubMed 25748484; PubMed 32184166; PubMed 32637634.

NM_032608.7(MYO18B):c.4668+2T>A

Genes: MYO18B (myosin XVIIIB; plus strand), MYO18B-AS1 (MYO18B antisense RNA 1; minus strand). Cytogenetic location: 22q12.1.
Variant type: single nucleotide variant.
Coding change: c.4668+2T>A on transcript NM_032608.7 (MANE Select); the canonical splice donor site of the intron after coding-DNA position 4668, T replaced by A.
Molecular consequence: splice donor variant.
Genome position (GRCh38, 1-based): chr22:25,895,282, T>A. VCF-style: chr22-25895282-T-A. GRCh37 (hg19) VCF-style: chr22-26291249-T-A.
Other names: c.4671+2T>A (NM_001318245.2).
Identifiers: ClinVar variation 2820154 (VCV002820154.3), dbSNP rs1299934634, ClinGen allele CA411010325.
Genomic context (GRCh38, chr22:25,895,282, plus strand): 5'-AGCAATGCGAGGAGAGGCTGGACTCGGAGCTGACAGCCAGGAAAGAGCTGGAGCAAAAGG[T>A]AAGATGTGGGGATAGTCTGGGCCACAGAAGTGTTAGAGAGTGGGCAGGCTCTCACCTCCA-3'